The following is an entry in ClinVar:

NM_000535.7(PMS2):c.1917T>C (p.Ser639=)

Gene: PMS2 (PMS1 homolog 2, mismatch repair system component; minus strand). Cytogenetic location: 7p22.1.
Variant type: single nucleotide variant.
Coding change: c.1917T>C on transcript NM_000535.7 (MANE Select); coding-DNA position 1917, T replaced by C.
Protein change: p.Ser639=; no amino-acid change (serine 639 retained).
Molecular consequence: synonymous variant. On other transcripts: non-coding transcript variant (1), intron variant (1).
Genome position (GRCh38, 1-based): chr7:5,986,848, A>G on the plus strand (T>C on the coding strand, the complement: PMS2 is on the minus strand). VCF-style: chr7-5986848-A-G. GRCh37 (hg19) VCF-style: chr7-6026479-A-G.
Other names: c.1512T>C, p.Ser504= (NM_001018040.1, NM_001322003.2, NM_001322004.2 and 17 more transcripts); c.1761T>C, p.Ser587= (NM_001322006.2, NM_001406870.1); c.1599T>C, p.Ser533= (NM_001322007.2, NM_001322008.2, NM_001406876.1 and 2 more transcripts); c.1356T>C, p.Ser452= (NM_001322010.2, NM_001406906.1, NM_001406907.1); c.984T>C, p.Ser328= (NM_001322011.2, NM_001322012.2); c.1344T>C, p.Ser448= (NM_001322013.2, NM_001406909.1); c.1917T>C, p.Ser639= (NM_001322014.2, NM_001406871.1, NM_001406872.1); c.1608T>C, p.Ser536= (NM_001322015.2, NM_001406875.1, NM_001406877.1 and 5 more transcripts); and 13 more.
Identifiers: ClinVar variation 2825407 (VCV002825407.5), dbSNP rs2128721266, ClinGen allele CA453745727.
Genomic context (GRCh38, chr7:5,986,848, plus strand): 5'-TGCTTGATTTTCTCCAGGACAAATCTTTGCCCTAAACTTCCTGTAATTCTGTTCCCCTTC[A>G]CTTTGCTGTGCTTCATGATGTAACTGCTTTATTCGTTTAGCTAAAGAACTCATAGAAAAG-3'
Protein context (NP_000526.2, residues 629-649): IKQLHHEAQQ[Ser639=]EGEQNYRKFR

ClinVar aggregate classification (germline): Benign/Likely benign. Review status: criteria provided, multiple submitters, no conflicts (2 of 4 stars). 3 submissions from 3 submitters: Benign (1); Likely benign (2). Last evaluated 2026-08-29.

Conditions:
Hereditary cancer-predisposing syndrome. Also called: Hereditary Cancer Syndrome; Hereditary neoplastic syndrome; Neoplastic Syndromes, Hereditary; Tumor predisposition. Identifiers: Orphanet 140162, MedGen C0027672, MeSH D009386, MONDO:0015356.
Hereditary nonpolyposis colorectal neoplasms. Identifiers: MedGen C0009405, MeSH D003123.
Lynch syndrome 4 (LYNCH4). Also called: Hereditary non-polyposis colorectal cancer, type 4; Colorectal cancer, hereditary nonpolyposis, type 4. Identifiers: Orphanet 144, MedGen C1838333, MONDO:0013699, OMIM 614337. Disease mechanism: loss of function.

Submissions (3):

Ambry Genetics
Classification: Likely benign for Hereditary cancer-predisposing syndrome. Last evaluated: 2026-08-29. Review status: criteria provided, single submitter. Criteria: Ambry Variant Classification Scheme 2023. Collection method: clinical testing. Allele origin: germline.

Myriad Genetics, Inc.
Classification: Benign for Lynch syndrome 4. Last evaluated: 2025-01-31. Review status: criteria provided, single submitter. Criteria: Myriad Autosomal Dominant, Autosomal Recessive and X-Linked Classification Criteria (2023). Collection method: clinical testing. Allele origin: unknown.
Comment: This variant is considered benign. This variant is a silent/synonymous amino acid change and it is not expected to impact splicing.

Labcorp Genetics (formerly Invitae), Labcorp
Classification: Likely benign for Hereditary nonpolyposis colorectal neoplasms. Last evaluated: 2022-12-31. Review status: criteria provided, single submitter. Criteria: Invitae Variant Classification Sherloc (09022015). Collection method: clinical testing. Allele origin: germline.